The following is an entry in ClinVar:

ClinVar aggregate classification (germline): Uncertain significance (1 of 4 stars; one submission).

Allele frequency attached by ClinVar (database versions not stated): gnomAD exomes below 0.00001.
gnomAD v4.1: 2 of 1,596,858 alleles (0.00013%); highest among the groups gnomAD compares: Admixed American, 0.0017%; no homozygotes.

Submission:

Women's Health and Genetics/Laboratory Corporation of America, LabCorp
Classification: Uncertain significance. Last evaluated: 2024-01-17. Review status: criteria provided, single submitter. Criteria: LabCorp Variant Classification Summary - May 2015. Collection method: clinical testing. Allele origin: germline.
Comment: Variant summary: COL4A3BP c.1730C>T (p.Ala577Val) results in a non-conservative amino acid change located in the START domain (IPR002913) of the encoded protein sequence. Three of five in-silico tools predict a damaging effect of the variant on protein function. The variant allele was found at a frequency of 4.1e-06 in 242678 control chromosomes. The available data on variant occurrences in the general population are insufficient to allow any conclusion about variant significance. c.1730C>T has been reported in the literature in one individual with mild syndromic intellectual disability and their mother with intellectual disability (Gehin_2023). This report does not provide unequivocal conclusions about association of the variant with Intellectual Disability, Autosomal Dominant 34. At least one publication reports experimental evidence evaluating an impact on protein function (Gehin_2023). These results showed no damaging effect of this variant on either protein localization or phosphorylation state. The following publication has been ascertained in the context of this evaluation (PMID: 36976648). No submitters have cited clinical-significance assessments for this variant to ClinVar. Based on the evidence outlined above, the variant was classified as uncertain significance.

Literature cited by the submitters: PubMed 36976648.

NM_001379029.1(CERT1):c.1346C>T (p.Ala449Val)

Gene: CERT1 (ceramide transporter 1; minus strand). Cytogenetic location: 5q13.3.
Variant type: single nucleotide variant.
Coding change: c.1346C>T on transcript NM_001379029.1 (MANE Select); coding-DNA position 1346, C replaced by T.
Protein change: p.Ala449Val; replaces alanine 449 with valine.
Molecular consequence: missense variant.
Genome position (GRCh38, 1-based): chr5:75,385,973, G>A on the plus strand (C>T on the coding strand, the complement: CERT1 is on the minus strand). VCF-style: chr5-75385973-G-A. GRCh37 (hg19) VCF-style: chr5-74681798-G-A.
Other names: c.1730C>T, p.Ala577Val (NM_001130105.1); c.1346C>T, p.Ala449Val (NM_001379002.1, NM_005713.3); c.1268C>T, p.Ala423Val (NM_001379003.1, NM_001379004.1, NM_031361.3); short protein forms A423V, A449V, A577V.
Identifiers: ClinVar variation 3063954 (VCV003063954.1), dbSNP rs1012873977, ClinGen allele CA120950036.